The following is an entry in ClinVar:

ClinVar aggregate classification (germline): Pathogenic/Likely pathogenic. Review status: criteria provided, multiple submitters, no conflicts (2 of 4 stars). 2 submissions from 2 submitters: Pathogenic (1); Likely pathogenic (1). Last evaluated 2024-03-14.

Conditions:
Autosomal recessive Alport syndrome (ATS2). Also called: ALPORT SYNDROME 2, AUTOSOMAL RECESSIVE; Alport syndrome type 2; COL4A4 Alport Syndrome and Thin Basement Membrane Nephropathy; COL4A3-Related Nephropathy. Identifiers: Orphanet 63, Orphanet 88919, MedGen C4746745, MONDO:0008762, OMIM 203780.

Allele frequency attached by ClinVar (database versions not stated): gnomAD exomes below 0.00001.
gnomAD v4.1: 1 of 1,614,138 alleles (0.000062%); highest among the groups gnomAD compares: Non-Finnish European, 0.000085%; no homozygotes.

Submissions (2):

Labcorp Genetics (formerly Invitae), Labcorp
Classification: Pathogenic. Last evaluated: 2024-03-14. Review status: criteria provided, single submitter. Criteria: Invitae Variant Classification Sherloc (09022015). Collection method: clinical testing. Allele origin: germline.
Comment: This sequence change creates a premature translational stop signal (p.Trp1522*) in the COL4A3 gene. It is expected to result in an absent or disrupted protein product. Loss-of-function variants in COL4A3 are known to be pathogenic (PMID: 8956999, 24854265, 26809805, 27281700). This variant is not present in population databases (gnomAD no frequency). This variant has not been reported in the literature in individuals affected with COL4A3-related conditions. ClinVar contains an entry for this variant (Variation ID: 983883). Algorithms developed to predict the effect of sequence changes on RNA splicing suggest that this variant may disrupt the consensus splice site. For these reasons, this variant has been classified as Pathogenic.

Myriad Genetics, Inc.
Classification: Likely pathogenic for Autosomal recessive Alport syndrome. Last evaluated: 2019-03-23. Review status: criteria provided, single submitter. Criteria: Myriad Women's Health Autosomal Recessive and X-Linked Classification Criteria (2019). Collection method: clinical testing. Allele origin: unknown.
Comment: NM_000091.4(COL4A3):c.4566G>A(W1522*) is expected to be pathogenic in the context of COL4A3-related Alport syndrome. This variant is predicted to lead to an abnormal or absent protein product due to the creation of a premature termination codon in COL4A3, a gene where loss-of-function variants are known to be pathogenic. Please note: this variant was assessed in the context of healthy population screening.

Literature cited by the submitters: PubMed 8956999 (cited by Labcorp Genetics (formerly Invitae), Labcorp); PubMed 24854265 (cited by Labcorp Genetics (formerly Invitae), Labcorp); PubMed 26809805 (cited by Labcorp Genetics (formerly Invitae), Labcorp); PubMed 27281700 (cited by Labcorp Genetics (formerly Invitae), Labcorp).

NM_000091.5(COL4A3):c.4566G>A (p.Trp1522Ter)

Genes: COL4A3 (collagen type IV alpha 3 chain; plus strand), MFF-DT (MFF divergent transcript; minus strand). Cytogenetic location: 2q36.3.
Variant type: single nucleotide variant.
Coding change: c.4566G>A on transcript NM_000091.5 (MANE Select); coding-DNA position 4566, G replaced by A.
Protein change: p.Trp1522Ter; replaces tryptophan 1522 with a stop codon.
Molecular consequence: nonsense.
Genome position (GRCh38, 1-based): chr2:227,309,002, G>A. VCF-style: chr2-227309002-G-A. GRCh37 (hg19) VCF-style: chr2-228173718-G-A.
Other names: short protein forms W1522*.
Identifiers: ClinVar variation 983883 (VCV000983883.5), dbSNP rs2073630720, ClinGen allele CA350865167.